The following is an entry in ClinVar:

NM_001430.5(EPAS1):c.2449C>T (p.His817Tyr)

Gene: EPAS1 (endothelial PAS domain protein 1; plus strand). Cytogenetic location: 2p21.
Variant type: single nucleotide variant.
Coding change: c.2449C>T on transcript NM_001430.5 (MANE Select); coding-DNA position 2449, C replaced by T.
Protein change: p.His817Tyr; replaces histidine 817 with tyrosine.
Molecular consequence: missense variant.
Genome position (GRCh38, 1-based): chr2:46,382,586, C>T. VCF-style: chr2-46382586-C-T. GRCh37 (hg19) VCF-style: chr2-46609725-C-T.
Other names: short protein forms H817Y.
Identifiers: ClinVar variation 1791439 (VCV001791439.2), dbSNP rs761271216, ClinGen allele CA1645356.

ClinVar aggregate classification (germline): Uncertain significance (1 of 4 stars; one submission).

Conditions:
Inborn genetic diseases. Identifiers: MedGen C0950123, MeSH D030342.

Allele frequency attached by ClinVar (database versions not stated): TOPMed below 0.00001; ExAC 0.00001; gnomAD 0.00001.
gnomAD v4.1: 3 of 1,613,988 alleles (0.00019%); highest among the groups gnomAD compares: African/African-American, 0.0013%; no homozygotes.

Submission:

Ambry Genetics
Classification: Uncertain significance for Inborn genetic diseases. Last evaluated: 2022-03-06. Review status: criteria provided, single submitter. Criteria: Ambry Variant Classification Scheme 2023. Collection method: clinical testing. Allele origin: germline.
Comment: The p.H817Y variant (also known as c.2449C>T), located in coding exon 15 of the EPAS1 gene, results from a C to T substitution at nucleotide position 2449. The histidine at codon 817 is replaced by tyrosine, an amino acid with similar properties. This amino acid position is conserved. In addition, this alteration is predicted to be tolerated by in silico analysis. Since supporting evidence is limited at this time, the clinical significance of this alteration remains unclear.